The following is an entry in ClinVar:

ClinVar aggregate classification (germline): Uncertain significance. Review status: criteria provided, multiple submitters, no conflicts (2 of 4 stars). 3 submissions from 3 submitters: Uncertain significance (3). Last evaluated 2025-02-26.

Conditions:
Hereditary cancer-predisposing syndrome. Also called: Tumor predisposition; Hereditary neoplastic syndrome; Neoplastic Syndromes, Hereditary; Hereditary Cancer Syndrome. Identifiers: Orphanet 140162, MedGen C0027672, MeSH D009386, MONDO:0015356.
Multiple endocrine neoplasia, type 1 (MEN1). Also called: MEN I; WERMER SYNDROME; Endocrine adenomatosis multiple; MEN 1; MEA I. Identifiers: Orphanet 652, MedGen C0025267, MeSH D018761, MONDO:0007540, OMIM 131100.

Submissions (3):

Ambry Genetics
Classification: Uncertain significance for Hereditary cancer-predisposing syndrome. Last evaluated: 2025-02-26. Review status: criteria provided, single submitter. Criteria: Ambry Variant Classification Scheme 2023. Collection method: clinical testing. Allele origin: germline.
Comment: The p.A49T variant (also known as c.145G>A), located in coding exon 1 of the MEN1 gene, results from a G to A substitution at nucleotide position 145. The alanine at codon 49 is replaced by threonine, an amino acid with similar properties. This amino acid position is highly conserved in available vertebrate species. In addition, the in silico prediction for this alteration is inconclusive. Based on the available evidence, the clinical significance of this variant remains unclear.

All of Us Research Program, National Institutes of Health
Classification: Uncertain significance for Multiple endocrine neoplasia, type 1. Last evaluated: 2023-12-18. Review status: criteria provided, single submitter. Criteria: ACMG Guidelines, 2015. Collection method: clinical testing. Allele origin: germline. Inheritance: Autosomal dominant inheritance. Observed: 1 variant allele, 1 heterozygote.
Comment: This missense variant replaces alanine with threonine at codon 49 of the MEN1 protein. Computational prediction is inconclusive regarding the impact of this variant on protein structure and function (internally defined REVEL score threshold 0.5 < inconclusive < 0.7, PMID: 27666373). To our knowledge, functional studies have not been reported for this variant. This variant has not been reported in individuals affected with MEN1-related disorders in the literature. This variant has not been identified in the general population by the Genome Aggregation Database (gnomAD). The available evidence is insufficient to determine the role of this variant in disease conclusively. Therefore, this variant is classified as a Variant of Uncertain Significance.

This study involves interpretation of variants in research participants for the purpose of population health screening. Participant phenotype was not available at the time of variant classification. Additional details can be found in publication PMID: 35346344, PMCID: PMC8962531

Labcorp Genetics (formerly Invitae), Labcorp
Classification: Uncertain significance for Multiple endocrine neoplasia, type 1. Last evaluated: 2023-11-21. Review status: criteria provided, single submitter. Criteria: Invitae Variant Classification Sherloc (09022015). Collection method: clinical testing. Allele origin: germline.
Comment: This sequence change replaces alanine, which is neutral and non-polar, with threonine, which is neutral and polar, at codon 49 of the MEN1 protein (p.Ala49Thr). This variant is not present in population databases (gnomAD no frequency). This variant has not been reported in the literature in individuals affected with MEN1-related conditions. ClinVar contains an entry for this variant (Variation ID: 936487). Advanced modeling of protein sequence and biophysical properties (such as structural, functional, and spatial information, amino acid conservation, physicochemical variation, residue mobility, and thermodynamic stability) has been performed at Invitae for this missense variant, however the output from this modeling did not meet the statistical confidence thresholds required to predict the impact of this variant on MEN1 protein function. This variant disrupts the p.Ala49 amino acid residue in MEN1. Other variant(s) that disrupt this residue have been observed in individuals with MEN1-related conditions (PMID: 12746426, 22026581), which suggests that this may be a clinically significant amino acid residue. In summary, the available evidence is currently insufficient to determine the role of this variant in disease. Therefore, it has been classified as a Variant of Uncertain Significance.

Literature cited by the submitters: PubMed 12746426 (cited by Labcorp Genetics (formerly Invitae), Labcorp); PubMed 22026581 (cited by Labcorp Genetics (formerly Invitae), Labcorp).

NM_001370259.2(MEN1):c.145G>A (p.Ala49Thr)

Gene: MEN1 (menin 1; minus strand). Cytogenetic location: 11q13.1.
Variant type: single nucleotide variant.
Coding change: c.145G>A on transcript NM_001370259.2 (MANE Select); coding-DNA position 145, G replaced by A.
Protein change: p.Ala49Thr; replaces alanine 49 with threonine.
Molecular consequence: missense variant.
Genome position (GRCh38, 1-based): chr11:64,809,965, C>T on the plus strand (G>A on the coding strand, the complement: MEN1 is on the minus strand). VCF-style: chr11-64809965-C-T. GRCh37 (hg19) VCF-style: chr11-64577437-C-T.
Other names: c.145G>A, p.Ala49Thr (NM_130802.3, NM_130803.3, NM_130804.3 and 9 more transcripts); short protein forms A49T.
Identifiers: ClinVar variation 936487 (VCV000936487.11), dbSNP rs1942011819, ClinGen allele CA381187810.